The following is an entry in ClinVar:

NM_001290321.3(DMXL1):c.5977A>C (p.Thr1993Pro)

Gene: DMXL1 (Dmx like 1; plus strand). Cytogenetic location: 5q23.1.
Variant type: single nucleotide variant.
Coding change: c.5977A>C on transcript NM_001290321.3 (MANE Select); coding-DNA position 5977, A replaced by C.
Protein change: p.Thr1993Pro; replaces threonine 1993 with proline.
Molecular consequence: missense variant. On other transcripts: non-coding transcript variant (3).
Genome position (GRCh38, 1-based): chr5:119,170,768, A>C. VCF-style: chr5-119170768-A-C. GRCh37 (hg19) VCF-style: chr5-118506463-A-C.
Other names: c.5977A>C (NM_005509.4); c.5977A>C, p.Thr1993Pro (NM_001349239.2, NM_001349240.2, NM_001387933.1 and 2 more transcripts); c.5272A>C, p.Thr1758Pro (NM_001387937.1); c.4990A>C, p.Thr1664Pro (NM_001387938.1); short protein forms T1664P, T1758P, T1993P.
Identifiers: ClinVar variation 2655654 (VCV002655654.25), dbSNP rs200293982, ClinGen allele CA3380476.

ClinVar aggregate classification (germline): Conflicting classifications of pathogenicity. Review status: criteria provided, conflicting classifications (1 of 4 stars). 2 submissions from 2 submitters: Uncertain significance (1); Likely benign (1). Last evaluated 2023-12-20.

Allele frequency attached by ClinVar (database versions not stated): ExAC 0.00003; gnomAD 0.00005; gnomAD exomes 0.00009; ESP Exome Variant Server 0.00015.
gnomAD v4.1: 140 of 1,612,296 alleles (0.0087%); highest among the groups gnomAD compares: Middle Eastern, 0.016%; no homozygotes.

Submissions (2):

Ambry Genetics
Classification: Uncertain significance. Last evaluated: 2023-12-20. Review status: criteria provided, single submitter. Criteria: Ambry Variant Classification Scheme 2023. Collection method: clinical testing. Allele origin: germline.

CeGaT Center for Human Genetics Tuebingen
Classification: Likely benign. Last evaluated: 2023-01-01. Review status: criteria provided, single submitter. Criteria: CeGaT Center For Human Genetics Tuebingen Variant Classification Criteria Version 2. Collection method: clinical testing. Allele origin: germline. Affected: yes. Observed: 1 variant allele.
Comment: DMXL1: BP4